The following is an entry in ClinVar:

ClinVar aggregate classification (germline): Uncertain significance (1 of 4 stars; one submission).

Conditions:
Wilms tumor 1 (WT1). Also called: Wilms tumor, somatic. Identifiers: Orphanet 654, MedGen CN033288, MONDO:0008679, OMIM 194070.

Submission:

Labcorp Genetics (formerly Invitae), Labcorp
Classification: Uncertain significance for Wilms tumor 1. Last evaluated: 2022-09-16. Review status: criteria provided, single submitter. Criteria: Invitae Variant Classification Sherloc (09022015). Collection method: clinical testing. Allele origin: germline.
Comment: A copy number gain of the genomic region encompassing the full coding sequence of the GPC3 gene has been identified. The boundaries of this event are unknown as they extend beyond the assayed region for this gene and therefore may encompass additional genes. As the precise location of this event is unknown, it may be in tandem or it may be located elsewhere in the genome. This variant has not been reported in the literature in individuals affected with GPC3-related conditions. In summary, the available evidence is currently insufficient to determine the role of this variant in disease. Therefore, it has been classified as a Variant of Uncertain Significance.

NC_000023.10:g.(?_132670152)_(133119476_?)dup

Gene: GPC3 (glypican 3; minus strand). Cytogenetic location: Xq26.2.
Variant type: Duplication.
Identifiers: ClinVar variation 1064174 (VCV001064174.2).